The following is an entry in ClinVar:

NM_000083.3(CLCN1):c.762C>G (p.Cys254Trp)

Gene: CLCN1 (chloride voltage-gated channel 1; plus strand). Cytogenetic location: 7q34.
Variant type: single nucleotide variant.
Coding change: c.762C>G on transcript NM_000083.3 (MANE Select); coding-DNA position 762, C replaced by G.
Protein change: p.Cys254Trp; replaces cysteine 254 with tryptophan.
Molecular consequence: missense variant. On other transcripts: non-coding transcript variant (1).
Genome position (GRCh38, 1-based): chr7:143,323,374, C>G. VCF-style: chr7-143323374-C-G. GRCh37 (hg19) VCF-style: chr7-143020467-C-G.
Other names: short protein forms C254W.
Identifiers: ClinVar variation 664036 (VCV000664036.13), dbSNP rs772027125, ClinGen allele CA4537072.

ClinVar aggregate classification (germline): Pathogenic/Likely pathogenic. Review status: criteria provided, multiple submitters, no conflicts (2 of 4 stars). 4 submissions from 4 submitters: Pathogenic (1); Likely pathogenic (3). Last evaluated 2026-01-18.

Conditions:
Batten-Turner congenital myopathy. Also called: Congenital myotonia; Myotonia congenita. Identifiers: Orphanet 206973, MedGen C0027127, MONDO:0100468, OMIM 255300.
Congenital myotonia, autosomal recessive form. Also called: Becker Generalized Myotonia; BECKER DISEASE; myotonia congenita, autosomal recessive. Identifiers: Orphanet 614, MedGen C0751360, MONDO:0009715, OMIM 255700.
Congenital myotonia, autosomal dominant form (THD). Also called: THOMSEN DISEASE; Myotonia congenita autosomal dominant. Identifiers: Orphanet 614, MedGen C2936781, MONDO:0008055, OMIM 160800.

Allele frequency attached by ClinVar (database versions not stated): TOPMed 0.00002.
gnomAD v4.1: 12 of 1,612,064 alleles (0.00074%); highest among the groups gnomAD compares: East Asian, 0.025%; no homozygotes.

Submissions (4):

Labcorp Genetics (formerly Invitae), Labcorp
Classification: Pathogenic for Congenital myotonia, autosomal recessive form; Congenital myotonia, autosomal dominant form. Last evaluated: 2026-01-18. Review status: criteria provided, single submitter. Criteria: Invitae Variant Classification Sherloc (09022015). Collection method: clinical testing. Allele origin: germline.
Comment: This sequence change replaces cysteine, which is neutral and slightly polar, with tryptophan, which is neutral and slightly polar, at codon 254 of the CLCN1 protein (p.Cys254Trp). This variant is present in population databases (rs772027125, gnomAD 0.05%). This missense change has been observed in individual(s) with autosomal recessive myotonia congenita (PMID: 31567646, 34790634; internal data). In at least one individual the data is consistent with being in trans (on the opposite chromosome) from a pathogenic variant. This variant has been reported in individual(s) with autosomal dominant CLCN1-related conditions (PMID: 31567646; internal data); however, the role of the variant in this condition is currently unclear. ClinVar contains an entry for this variant (Variation ID: 664036). Invitae Evidence Modeling of protein sequence and biophysical properties (such as structural, functional, and spatial information, amino acid conservation, physicochemical variation, residue mobility, and thermodynamic stability) has been performed for this missense variant. However, the output from this modeling did not meet the statistical confidence thresholds required to predict the impact of this variant on CLCN1 protein function. Algorithms developed to predict the effect of sequence changes on RNA splicing suggest that this variant may disrupt the consensus splice site. For these reasons, this variant has been classified as Pathogenic.

Fulgent Genetics
Classification: Likely pathogenic for Congenital myotonia, autosomal dominant form; Congenital myotonia, autosomal recessive form. Last evaluated: 2024-06-24. Review status: criteria provided, single submitter. Criteria: ACMG Guidelines, 2015. Collection method: clinical testing. Allele origin: germline.

The Molecular Genetic and Pathologic Diagnosis Center of Neuromuscular Disorder, Children's Hospital of Fudan University
Classification: Likely pathogenic for Myotonia congenita. Last evaluated: 2021-08-15. Review status: criteria provided, single submitter. Criteria: ACMG Guidelines, 2015. Collection method: clinical testing. Allele origin: maternal. Affected: yes.

Juno Genomics, Hangzhou Juno Genomics, Inc
Classification: Likely pathogenic for Congenital myotonia, autosomal dominant form; Congenital myotonia, autosomal recessive form. Review status: criteria provided, single submitter. Criteria: ACMG Guidelines, 2015. Collection method: clinical testing. Allele origin: germline.
Comment: Absent from controls (or at extremely low frequency if recessive) in Genome Aggregation Database.;Multiple lines of computational evidence support a deleterious effect on the gene or gene product.;For recessive disorders, detected in trans with a pathogenic variant.;The prevalence of the variant in affected individuals is significantly increased compared to the prevalence in controls.;Patient's phenotype or family history is highly specific for a disease with a single genetic etiology.

Literature cited by the submitters: PubMed 31567646 (cited by Labcorp Genetics (formerly Invitae), Labcorp); PubMed 34790634 (cited by Labcorp Genetics (formerly Invitae), Labcorp).